The following is an entry in ClinVar:

NM_006767.4(LZTR1):c.2220-15T>G

Gene: LZTR1 (leucine zipper like post translational regulator 1; plus strand). Cytogenetic location: 22q11.21.
Variant type: single nucleotide variant.
Coding change: c.2220-15T>G on transcript NM_006767.4 (MANE Select); 15 bases into the intron before coding-DNA position 2220, T replaced by G.
Molecular consequence: intron variant.
Genome position (GRCh38, 1-based): chr22:20,996,681, T>G. VCF-style: chr22-20996681-T-G. GRCh37 (hg19) VCF-style: chr22-21350970-T-G.
Identifiers: ClinVar variation 4798621 (VCV004798621.1).

ClinVar aggregate classification (germline): Uncertain significance (1 of 4 stars; one submission).

Submission:

Labcorp Genetics (formerly Invitae), Labcorp
Classification: Uncertain significance. Last evaluated: 2025-07-21. Review status: criteria provided, single submitter. Criteria: Invitae Variant Classification Sherloc (09022015). Collection method: clinical testing. Allele origin: germline.
Comment: This sequence change falls in intron 18 of the LZTR1 gene. It does not directly change the encoded amino acid sequence of the LZTR1 protein. This variant is not present in population databases (gnomAD no frequency). This variant has not been reported in the literature in individuals affected with LZTR1-related conditions. Algorithms developed to predict the effect of sequence changes on RNA splicing suggest that this variant may disrupt the consensus splice site. In summary, the available evidence is currently insufficient to determine the role of this variant in disease. Therefore, it has been classified as a Variant of Uncertain Significance.